The following is an entry in ClinVar:

ClinVar aggregate classification (germline): Likely benign (0 of 4 stars; one submission).

Conditions:
GPC6-related disorder. Also called: GPC6-related condition.

Submission:

PreventionGenetics, part of Exact Sciences
Classification: Likely benign for GPC6-related condition. Last evaluated: 2019-04-30. Review status: no assertion criteria provided. Collection method: clinical testing. Allele origin: germline.
Comment: This variant is classified as likely benign based on ACMG/AMP sequence variant interpretation guidelines (Richards et al. 2015 PMID: 25741868, with internal and published modifications).

NM_005708.5(GPC6):c.714C>G (p.Val238=)

Gene: GPC6 (glypican 6; plus strand). Cytogenetic location: 13q31.3.
Variant type: single nucleotide variant.
Coding change: c.714C>G on transcript NM_005708.5 (MANE Select); coding-DNA position 714, C replaced by G.
Protein change: p.Val238=; no amino-acid change (valine 238 retained).
Molecular consequence: synonymous variant.
Genome position (GRCh38, 1-based): chr13:94,027,731, C>G. VCF-style: chr13-94027731-C-G. GRCh37 (hg19) VCF-style: chr13-94679985-C-G.
Identifiers: ClinVar variation 3038276 (VCV003038276.2), dbSNP rs2502414352, ClinGen allele CA484616415.